The following is an entry in ClinVar:

ClinVar aggregate classification (germline): Uncertain significance (1 of 4 stars; one submission).

Submission:

Labcorp Genetics (formerly Invitae), Labcorp
Classification: Uncertain significance. Last evaluated: 2022-05-03. Review status: criteria provided, single submitter. Criteria: Invitae Variant Classification Sherloc (09022015). Collection method: clinical testing. Allele origin: germline.
Comment: In summary, the available evidence is currently insufficient to determine the role of this variant in disease. Therefore, it has been classified as a Variant of Uncertain Significance. Algorithms developed to predict the effect of missense changes on protein structure and function (SIFT, PolyPhen-2, Align-GVGD) all suggest that this variant is likely to be disruptive. This variant has not been reported in the literature in individuals affected with IMPDH1-related conditions. This variant is not present in population databases (gnomAD no frequency). This sequence change replaces alanine, which is neutral and non-polar, with serine, which is neutral and polar, at codon 423 of the IMPDH1 protein (p.Ala423Ser).

NM_000883.4(IMPDH1):c.1267G>T (p.Ala423Ser)

Gene: IMPDH1 (inosine monophosphate dehydrogenase 1; minus strand). Cytogenetic location: 7q32.1.
Variant type: single nucleotide variant.
Coding change: c.1267G>T on transcript NM_000883.4 (MANE Select); coding-DNA position 1267, G replaced by T.
Protein change: p.Ala423Ser; replaces alanine 423 with serine.
Molecular consequence: missense variant.
Genome position (GRCh38, 1-based): chr7:128,395,269, C>A on the plus strand (G>T on the coding strand, the complement: IMPDH1 is on the minus strand). VCF-style: chr7-128395269-C-A. GRCh37 (hg19) VCF-style: chr7-128035323-C-A.
Other names: c.1237G>T, p.Ala413Ser (NM_001102605.2); c.1012G>T, p.Ala338Ser (NM_001142573.2); c.997G>T, p.Ala333Ser (NM_001142574.2); c.937G>T, p.Ala313Ser (NM_001142575.2); c.1168G>T, p.Ala390Ser (NM_001142576.2); c.1060G>T, p.Ala354Ser (NM_001304521.2); c.1159G>T, p.Ala387Ser (NM_183243.3); short protein forms A338S, A387S, A333S, A413S, A313S, A354S, A390S, A423S.
Identifiers: ClinVar variation 1373544 (VCV001373544.6), dbSNP rs987967710, ClinGen allele CA369164128.